The following is an entry in ClinVar:

NM_001330311.2(DVL1):c.1739G>A (p.Arg580Gln)

Gene: DVL1 (dishevelled segment polarity protein 1; minus strand). Cytogenetic location: 1p36.33.
Variant type: single nucleotide variant.
Coding change: c.1739G>A on transcript NM_001330311.2 (MANE Select); coding-DNA position 1739, G replaced by A.
Protein change: p.Arg580Gln; replaces arginine 580 with glutamine.
Molecular consequence: missense variant.
Genome position (GRCh38, 1-based): chr1:1,336,491, C>T on the plus strand (G>A on the coding strand, the complement: DVL1 is on the minus strand). VCF-style: chr1-1336491-C-T. GRCh37 (hg19) VCF-style: chr1-1271871-C-T.
Other names: c.1664G>A (NM_004421.2); c.1664G>A, p.Arg555Gln (NM_004421.3); short protein forms R580Q, R555Q.
Identifiers: ClinVar variation 1433595 (VCV001433595.8), dbSNP rs374246352, ClinGen allele CA519854.

ClinVar aggregate classification (germline): Conflicting classifications of pathogenicity. Review status: criteria provided, conflicting classifications (1 of 4 stars). 3 submissions from 3 submitters: Uncertain significance (2); Likely benign (1). Last evaluated 2025-10-26.

Conditions:
Inborn genetic diseases. Identifiers: MedGen C0950123, MeSH D030342.

Allele frequency attached by ClinVar (database versions not stated): gnomAD 0.00003 and 0.00004; ExAC 0.00005; gnomAD exomes 0.00005; TOPMed 0.00005.
gnomAD v4.1: 78 of 1,529,700 alleles (0.0051%); highest among the groups gnomAD compares: Middle Eastern, 0.058%; no homozygotes.

Submissions (3):

Labcorp Genetics (formerly Invitae), Labcorp
Classification: Uncertain significance. Last evaluated: 2025-10-26. Review status: criteria provided, single submitter. Criteria: Invitae Variant Classification Sherloc (09022015). Collection method: clinical testing. Allele origin: germline.
Comment: This sequence change replaces arginine, which is basic and polar, with glutamine, which is neutral and polar, at codon 555 of the DVL1 protein (p.Arg555Gln). This variant is present in population databases (rs374246352, gnomAD 0.01%). This variant has not been reported in the literature in individuals affected with DVL1-related conditions. ClinVar contains an entry for this variant (Variation ID: 1433595). Invitae Evidence Modeling of protein sequence and biophysical properties (such as structural, functional, and spatial information, amino acid conservation, physicochemical variation, residue mobility, and thermodynamic stability) indicates that this missense variant is not expected to disrupt DVL1 protein function with a negative predictive value of 80%. In summary, the available evidence is currently insufficient to determine the role of this variant in disease. Therefore, it has been classified as a Variant of Uncertain Significance.

Ambry Genetics
Classification: Uncertain significance for Inborn genetic diseases. Last evaluated: 2024-10-07. Review status: criteria provided, single submitter. Criteria: Ambry Variant Classification Scheme 2023. Collection method: clinical testing. Allele origin: germline.

Blueprint Genetics
Classification: Likely benign. Last evaluated: 2024-03-25. Review status: criteria provided, single submitter. Criteria: ACMG Guidelines, 2015. Collection method: clinical testing. Allele origin: germline.